The following is an entry in ClinVar:

ClinVar aggregate classification (germline): Uncertain significance (1 of 4 stars; one submission).

gnomAD v4.1: 20 of 1,614,038 alleles (0.0012%); highest among the groups gnomAD compares: African/African-American, 0.0027%; no homozygotes.

Submission:

Labcorp Genetics (formerly Invitae), Labcorp
Classification: Uncertain significance. Last evaluated: 2025-11-06. Review status: criteria provided, single submitter. Criteria: Invitae Variant Classification Sherloc (09022015). Collection method: clinical testing. Allele origin: germline.
Comment: This sequence change replaces arginine, which is basic and polar, with tryptophan, which is neutral and slightly polar, at codon 229 of the OR2W3 protein (p.Arg229Trp). This variant is present in population databases (rs765796422, gnomAD 0.006%). This variant has not been reported in the literature in individuals affected with OR2W3-related conditions. An algorithm developed to predict the effect of missense changes on protein structure and function (PolyPhen-2) suggests that this variant is likely to be disruptive. In summary, the available evidence is currently insufficient to determine the role of this variant in disease. Therefore, it has been classified as a Variant of Uncertain Significance.

NM_001001957.2(OR2W3):c.685C>T (p.Arg229Trp)

Gene: OR2W3 (olfactory receptor family 2 subfamily W member 3; plus strand). Cytogenetic location: 1q44.
Variant type: single nucleotide variant.
Coding change: c.685C>T on transcript NM_001001957.2 (MANE Select); coding-DNA position 685, C replaced by T.
Protein change: p.Arg229Trp; replaces arginine 229 with tryptophan.
Molecular consequence: missense variant.
Genome position (GRCh38, 1-based): chr1:247,896,271, C>T. VCF-style: chr1-247896271-C-T. GRCh37 (hg19) VCF-style: chr1-248059573-C-T.
Other names: short protein forms R229W.
Identifiers: ClinVar variation 4702351 (VCV004702351.1).